The following is an entry in ClinVar:

ClinVar aggregate classification (germline): Likely benign. Review status: criteria provided, multiple submitters, no conflicts (2 of 4 stars). 3 submissions from 3 submitters: Likely benign (2). 1 of the submissions does not count toward it. Last evaluated 2025-02-11.

Conditions:
FREM2-related disorder. Also called: FREM2-related condition.

Allele frequency attached by ClinVar (database versions not stated): gnomAD exomes 0.00001; ExAC 0.00002; gnomAD 0.00009; TOPMed 0.00014.
gnomAD v4.1: 34 of 1,614,000 alleles (0.0021%); highest among the groups gnomAD compares: African/African-American, 0.032%; no homozygotes.

Submissions (3):

Women's Health and Genetics/Laboratory Corporation of America, LabCorp
Classification: Likely benign. Last evaluated: 2025-02-11. Review status: criteria provided, single submitter. Criteria: LabCorp Variant Classification Summary - May 2015. Collection method: clinical testing. Allele origin: germline.

Labcorp Genetics (formerly Invitae), Labcorp
Classification: Likely benign. Last evaluated: 2024-01-02. Review status: criteria provided, single submitter. Criteria: Invitae Variant Classification Sherloc (09022015). Collection method: clinical testing. Allele origin: germline.

PreventionGenetics, part of Exact Sciences
Classification: Likely benign for FREM2-related condition. Last evaluated: 2022-01-28. Review status: no assertion criteria provided. Collection method: clinical testing. Allele origin: germline. Not counted in ClinVar's aggregate classification.
Comment: This variant is classified as likely benign based on ACMG/AMP sequence variant interpretation guidelines (Richards et al. 2015 PMID: 25741868, with internal and published modifications).

NM_207361.6(FREM2):c.9441G>A (p.Pro3147=)

Gene: FREM2 (FRAS1 related extracellular matrix 2; plus strand). Cytogenetic location: 13q13.3.
Variant type: single nucleotide variant.
Coding change: c.9441G>A on transcript NM_207361.6 (MANE Select); coding-DNA position 9441, G replaced by A.
Protein change: p.Pro3147=; no amino-acid change (proline 3147 retained).
Molecular consequence: synonymous variant.
Genome position (GRCh38, 1-based): chr13:38,880,718, G>A. VCF-style: chr13-38880718-G-A. GRCh37 (hg19) VCF-style: chr13-39454855-G-A.
Other names: c.9441G>A (NM_207361.5).
Identifiers: ClinVar variation 2956733 (VCV002956733.6), dbSNP rs777764475, ClinGen allele CA6956391.